The following is an entry in ClinVar:

NM_203447.4(DOCK8):c.3514G>A (p.Asp1172Asn)

Gene: DOCK8 (dedicator of cytokinesis 8; plus strand). Cytogenetic location: 9p24.3.
Variant type: single nucleotide variant.
Coding change: c.3514G>A on transcript NM_203447.4 (MANE Select); coding-DNA position 3514, G replaced by A.
Protein change: p.Asp1172Asn; replaces aspartic acid 1172 with asparagine.
Molecular consequence: missense variant.
Genome position (GRCh38, 1-based): chr9:407,053, G>A. VCF-style: chr9-407053-G-A. GRCh37 (hg19) VCF-style: chr9-407053-G-A.
Other names: c.3214G>A, p.Asp1072Asn (NM_001190458.2); c.3310G>A, p.Asp1104Asn (NM_001193536.2); short protein forms D1072N, D1172N, D1104N.
Identifiers: ClinVar variation 4743821 (VCV004743821.1).
Genomic context (GRCh38, chr9:407,053, plus strand): 5'-GAGTACCGCCAGCAGCACTTCCTCACCGGGCTCCTCTTCACAGAACTGGCTGCTGCCCTG[G>A]ATGCCGAAGGGGAAGGGTATGTTTCTGGCATTTAAAATGGAAGATGAAGCCAAAAAAACA-3'
Protein context (NP_982272.2, residues 1162-1182): LLFTELAAAL[Asp1172Asn]AEGEGISKVQ

ClinVar aggregate classification (germline): Uncertain significance (1 of 4 stars; one submission).

Conditions:
Combined immunodeficiency due to DOCK8 deficiency (HIES2). Also called: HYPER-IgE SYNDROME 2, AUTOSOMAL RECESSIVE, WITH RECURRENT INFECTIONS; DOCK8 Deficiency; HIES autosomal recessive; Hyper-IgE recurrent infection syndrome, autosomal recessive; HYPER-IgE RECURRENT INFECTION SYNDROME 2, AUTOSOMAL RECESSIVE. Identifiers: Orphanet 217390, MedGen C4722305, MONDO:0009478, OMIM 243700.

Submission:

Labcorp Genetics (formerly Invitae), Labcorp
Classification: Uncertain significance for Combined immunodeficiency due to DOCK8 deficiency. Last evaluated: 2025-07-30. Review status: criteria provided, single submitter. Criteria: Invitae Variant Classification Sherloc (09022015). Collection method: clinical testing. Allele origin: germline.
Comment: This sequence change replaces aspartic acid, which is acidic and polar, with asparagine, which is neutral and polar, at codon 1172 of the DOCK8 protein (p.Asp1172Asn). This variant is not present in population databases (gnomAD no frequency). This variant has not been reported in the literature in individuals affected with DOCK8-related conditions. Invitae Evidence Modeling of protein sequence and biophysical properties (such as structural, functional, and spatial information, amino acid conservation, physicochemical variation, residue mobility, and thermodynamic stability) has been performed for this missense variant. However, the output from this modeling did not meet the statistical confidence thresholds required to predict the impact of this variant on DOCK8 protein function. In summary, the available evidence is currently insufficient to determine the role of this variant in disease. Therefore, it has been classified as a Variant of Uncertain Significance.